The following is an entry in ClinVar:

NM_024741.3(ZNF408):c.836C>T (p.Ser279Leu)

Gene: ZNF408 (zinc finger protein 408; plus strand). Cytogenetic location: 11p11.2.
Variant type: single nucleotide variant.
Coding change: c.836C>T on transcript NM_024741.3 (MANE Select); coding-DNA position 836, C replaced by T.
Protein change: p.Ser279Leu; replaces serine 279 with leucine.
Molecular consequence: missense variant.
Genome position (GRCh38, 1-based): chr11:46,704,536, C>T. VCF-style: chr11-46704536-C-T. GRCh37 (hg19) VCF-style: chr11-46726086-C-T.
Other names: c.812C>T, p.Ser271Leu (NM_001184751.2); short protein forms S271L, S279L.
Identifiers: ClinVar variation 1513717 (VCV001513717.6), dbSNP rs754673156, ClinGen allele CA5966440.

ClinVar aggregate classification (germline): Uncertain significance (1 of 4 stars; one submission).

Allele frequency attached by ClinVar (database versions not stated): gnomAD exomes 0.00001; ExAC 0.00002; gnomAD 0.00002; TOPMed 0.00002.
gnomAD v4.1: 18 of 1,613,692 alleles (0.0011%); highest among the groups gnomAD compares: Admixed American, 0.0033%; no homozygotes.

Submission:

Labcorp Genetics (formerly Invitae), Labcorp
Classification: Uncertain significance. Last evaluated: 2024-10-25. Review status: criteria provided, single submitter. Criteria: Invitae Variant Classification Sherloc (09022015). Collection method: clinical testing. Allele origin: germline.
Comment: This sequence change replaces serine, which is neutral and polar, with leucine, which is neutral and non-polar, at codon 279 of the ZNF408 protein (p.Ser279Leu). This variant is present in population databases (rs754673156, gnomAD 0.002%). This variant has not been reported in the literature in individuals affected with ZNF408-related conditions. ClinVar contains an entry for this variant (Variation ID: 1513717). An algorithm developed to predict the effect of missense changes on protein structure and function outputs the following: PolyPhen-2: "Benign". The leucine amino acid residue is found in multiple mammalian species, which suggests that this missense change does not adversely affect protein function. In summary, the available evidence is currently insufficient to determine the role of this variant in disease. Therefore, it has been classified as a Variant of Uncertain Significance.